The following is an entry in ClinVar:

NM_004937.3(CTNS):c.473T>C (p.Leu158Pro)

Genes: CTNS (cystinosin, lysosomal cystine transporter; plus strand), CTNS-AS1 (CTNS antisense RNA 1; minus strand). Cytogenetic location: 17p13.2.
Variant type: single nucleotide variant.
Coding change: c.473T>C on transcript NM_004937.3 (MANE Select); coding-DNA position 473, T replaced by C.
Protein change: p.Leu158Pro; replaces leucine 158 with proline.
Molecular consequence: missense variant.
Genome position (GRCh38, 1-based): chr17:3,656,498, T>C. VCF-style: chr17-3656498-T-C. GRCh37 (hg19) VCF-style: chr17-3559792-T-C.
Other names: c.473T>C, p.Leu158Pro (NM_001031681.3, NM_001374492.1); c.32T>C, p.Leu11Pro (NM_001374493.1, NM_001374494.1, NM_001374495.1 and 1 more transcripts); short protein forms L158P, L11P.
Identifiers: ClinVar variation 21439 (VCV000021439.30), dbSNP rs113994206, ClinGen allele CA342075.

ClinVar aggregate classification (germline): Pathogenic/Likely pathogenic. Review status: criteria provided, multiple submitters, no conflicts (2 of 4 stars). 11 submissions from 11 submitters: Pathogenic (6); Likely pathogenic (3). 2 of the submissions do not count toward it. Last evaluated 2026-08-09.

Conditions:
Juvenile nephropathic cystinosis. Also called: CYSTINOSIS, LATE-ONSET JUVENILE OR ADOLESCENT NEPHROPATHIC TYPE; Intermediate Cystinosis; Later-Onset (Juvenile) Cystinosis. Identifiers: Orphanet 213, Orphanet 411634, MedGen C0268626, MONDO:0009066, OMIM 219900.
Ocular cystinosis. Also called: Non-Nephropathic Cystinosis; Non-Nephropathic (Ocular) Cystinosis. Identifiers: Orphanet 213, Orphanet 411641, MedGen C2931013, MONDO:0009064, OMIM 219750.
Nephropathic cystinosis (CTNS). Also called: Abderhalden Lignac Kaufmann disease; Abderhalden-Kaufmann-Lignac syndrome; CYSTINOSIN, DEFECT OF; LYSOSOMAL CYSTINE TRANSPORT PROTEIN, DEFECT OF. Identifiers: Orphanet 213, Orphanet 411629, MedGen C2931187, MONDO:0100151, OMIM 219800.
CTNS-related disorder. Also called: CTNS-related condition.
Cystinosis. Also called: Cystine diathesis; Cystine storage disease; Cystinoses. Identifiers: Orphanet 213, MedGen C4316899, MONDO:0016239.
Renal tubulopathies.
Inborn genetic diseases. Identifiers: MedGen C0950123, MeSH D030342.

Allele frequency attached by ClinVar (database versions not stated): ExAC 0.00008; gnomAD exomes 0.00012 and 0.00004; 1000 Genomes Project 30x 0.00016; 1000 Genomes Project 0.00020; gnomAD 0.00004; TOPMed 0.00003.
gnomAD v4.1: 178 of 1,598,042 alleles (0.011%); highest among the groups gnomAD compares: Non-Finnish European, 0.014%; no homozygotes.

Submissions (11):

Genetics Laboratory, Great Ormond Street Hospital NHS Foundation Trust, North Thames Genomic Laboratory Hub
Classification: Pathogenic for Renal tubulopathies. Last evaluated: 2026-08-09. Review status: criteria provided, single submitter. Criteria: ACGS Best Practice Guidelines for Variant Classification in Rare Disease 2024 v1.2. Collection method: clinical testing. Allele origin: germline. Affected: yes.
Comment: PM2_moderate, PP3_supporting, PM3_very-strong, PP4_moderate

Labcorp Genetics (formerly Invitae), Labcorp
Classification: Pathogenic for Inborn genetic diseases; Ocular cystinosis; Juvenile nephropathic cystinosis. Last evaluated: 2026-01-28. Review status: criteria provided, single submitter. Criteria: Invitae Variant Classification Sherloc (09022015). Collection method: clinical testing. Allele origin: germline.
Comment: This sequence change replaces leucine, which is neutral and non-polar, with proline, which is neutral and non-polar, at codon 158 of the CTNS protein (p.Leu158Pro). This variant is present in population databases (rs113994206, gnomAD 0.008%). This missense change has been observed in individual(s) with cystinosis (PMID: 10482956, 28649545; internal data). In at least one individual the data is consistent with being in trans (on the opposite chromosome) from a pathogenic variant. ClinVar contains an entry for this variant (Variation ID: 21439). Invitae Evidence Modeling of protein sequence and biophysical properties (such as structural, functional, and spatial information, amino acid conservation, physicochemical variation, residue mobility, and thermodynamic stability) indicates that this missense variant is expected to disrupt CTNS protein function with a positive predictive value of 80%. Experimental studies have shown that this missense change affects CTNS function (PMID: 15128704). For these reasons, this variant has been classified as Pathogenic.

Natera, Inc.
Classification: Likely pathogenic for Cystinosis. Last evaluated: 2025-09-15. Review status: criteria provided, single submitter. Criteria: Natera Variant Classification Schema (03/2026). Collection method: clinical testing. Allele origin: germline.
Comment: The c.473T>C variant in CTNS is a missense variant predicted to cause substitution of leucine to proline at amino acid 158. This variant is rare in the general population with a frequency below the threshold expected for the associated phenotype(s). This variant has been observed in one or more individuals affected with the associated recessive disease, as either homozygous or compound heterozygous with a second variant (PMID: 28649545, 21963264). Functional studies show that this variant may disrupt protein function (PMID: 15128704). Computational prediction algorithms indicate this variant is likely to affect gene or protein function. Given the available evidence, this variant is classified as Likely Pathogenic.

GeneDx
Classification: Pathogenic. Last evaluated: 2025-06-17. Review status: criteria provided, single submitter. Criteria: GeneDx Variant Classification Process June 2021. Collection method: clinical testing. Allele origin: germline. Affected: yes.
Comment: Functional studies demonstrated that L158P allowed normal trafficking to the lysosomes, but that it abolished cystine transport (PMID: 15128704); Not observed at significant frequency in large population cohorts (gnomAD); In silico analysis supports that this missense variant has a deleterious effect on protein structure/function; This variant is associated with the following publications: (PMID: 10482956, 21963264, 28238446, 12644911, 34237326, 32198276, 15128704, 28649545)

Baylor Genetics
Classification: Pathogenic for Nephropathic cystinosis. Last evaluated: 2024-03-21. Review status: criteria provided, single submitter. Criteria: ACMG Guidelines, 2015. Collection method: clinical testing. Allele origin: unknown.

Fulgent Genetics
Classification: Pathogenic for Ocular cystinosis; Nephropathic cystinosis; Juvenile nephropathic cystinosis. Last evaluated: 2024-03-15. Review status: criteria provided, single submitter. Criteria: ACMG Guidelines, 2015. Collection method: clinical testing. Allele origin: germline.

Revvity Omics, Revvity
Classification: Likely pathogenic. Last evaluated: 2023-11-08. Review status: criteria provided, single submitter. Criteria: ACMG Guidelines, 2015. Collection method: clinical testing. Allele origin: germline.

Greenwood Genetic Center Diagnostic Laboratories, Greenwood Genetic Center
Classification: Likely pathogenic for Nephropathic cystinosis. Last evaluated: 2023-08-25. Review status: criteria provided, single submitter. Criteria: ACMG Guidelines, 2015. Collection method: clinical testing. Allele origin: germline. Affected: yes.
Comment: PS3, PM3

Women's Health and Genetics/Laboratory Corporation of America, LabCorp
Classification: Pathogenic for Cystinosis. Last evaluated: 2022-05-13. Review status: criteria provided, single submitter. Criteria: LabCorp Variant Classification Summary - May 2015. Collection method: clinical testing. Allele origin: germline.
Comment: Variant summary: CTNS c.473T>C (p.Leu158Pro) results in a non-conservative amino acid change in the encoded protein sequence. Five of five in-silico tools predict a damaging effect of the variant on protein function. The variant allele was found at a frequency of 4e-05 in 247434 control chromosomes. This frequency is not significantly higher than estimated for a pathogenic variant in CTNS causing Cystinosis (4e-05 vs 0.0025), allowing no conclusion about variant significance. c.473T>C has been reported in the literature as a compound heterozygous genotype in at-least two individuals affected with Cystinosis (example, McGowan-Jordan_1999, Kalatzis_2004, Zykovich_2015, Ghazi_2017). At least one publication reports experimental evidence evaluating an impact on protein function. The most pronounced variant effect results in abolishment of cystine transport while not affecting the lysosomal localization of cystinosin (Kalatzis_2004). Four clinical diagnostic laboratories have submitted clinical-significance assessments for this variant to ClinVar after 2014 without evidence for independent evaluation. All laboratories classified the variant as pathogenic/likely pathogenic. Based on the evidence outlined above, the variant was classified as pathogenic.

PreventionGenetics, part of Exact Sciences
Classification: Pathogenic for CTNS-related condition. Last evaluated: 2024-06-18. Review status: no assertion criteria provided. Collection method: clinical testing. Allele origin: germline. Not counted in ClinVar's aggregate classification.
Comment: The CTNS c.473T>C variant is predicted to result in the amino acid substitution p.Leu158Pro. This variant has been reported to be causative for cystinosis (McGowan-Jordan et al. 1999. PubMed ID: 10482956; Kalatzis et al. 2004. PubMed ID: 15128704; Zykovich et al. 2015. PubMed ID: 28649545). We have also observed this variant internally, along with a second causative CTNS variant, in several different affected individuals. Of note, the p.Leu158 residue resides within the second transmembrane domain of the cystinosin protein. In a functional study, the transport activity of the cystinosin protein containing the p.Leu158Pro amino acid substitution was reduced to ~1% of wild-type cystinosin (Kalatzis et al. 2004. PubMed ID: 15128704). This variant is reported in 0.0079% of alleles in individuals of European (Non-Finnish) descent in gnomAD. This variant is interpreted as pathogenic.

GeneReviews
No classification provided. Condition: Nephropathic cystinosis. Review status: no classification provided. Collection method: literature only. Allele origin: unknown. Not counted in ClinVar's aggregate classification.

Literature cited by the submitters: PubMed 10482956 (cited by Labcorp Genetics (formerly Invitae), Labcorp and Women's Health and Genetics/Laboratory Corporation of America, LabCorp); PubMed 28649545 (cited by 3 submitters); PubMed 15128704 (cited by 3 submitters); PubMed 21963264 (cited by Natera, Inc.); PubMed 28238446 (cited by Women's Health and Genetics/Laboratory Corporation of America, LabCorp); PubMed 12644911 (cited by GeneReviews); PubMed 20301574 (cited by GeneReviews); NCBI Bookshelf NBK1400 (cited by GeneReviews).